The following is an entry in ClinVar:

NM_002185.5(IL7R):c.1231A>G (p.Thr411Ala)

Gene: IL7R (interleukin 7 receptor; plus strand). Cytogenetic location: 5p13.2.
Variant type: single nucleotide variant.
Coding change: c.1231A>G on transcript NM_002185.5 (MANE Select); coding-DNA position 1231, A replaced by G.
Protein change: p.Thr411Ala; replaces threonine 411 with alanine.
Molecular consequence: missense variant. On other transcripts: non-coding transcript variant (1).
Genome position (GRCh38, 1-based): chr5:35,876,337, A>G. VCF-style: chr5-35876337-A-G. GRCh37 (hg19) VCF-style: chr5-35876439-A-G.
Other names: NM_002185.5(IL7R):c.1231A>G; p.Thr411Ala; short protein forms T411A.
Identifiers: ClinVar variation 134534 (VCV000134534.43), dbSNP rs115316501, ClinGen allele CA160117.

ClinVar aggregate classification (germline): Likely benign. Review status: reviewed by expert panel (3 of 4 stars). 9 submissions from 9 submitters: Likely benign (1). 8 of the submissions do not count toward it. Last evaluated 2023-11-14.

Conditions:
IL7R-related disorder. Also called: IL7R-related condition.
Immunodeficiency 104. Also called: Severe combined immunodeficiency, autosomal recessive, T cell-negative, B cell-positive, NK cell-positive; IMMUNODEFICIENCY 104, SEVERE COMBINED; SCID, AUTOSOMAL RECESSIVE, T CELL-NEGATIVE, B CELL-POSITIVE, NK CELL-POSITIVE; Severe Combined Immune Deficiency, Autosomal Recessive, TCell -Negative, B Cell-Positive, NK Cell-Positive, IL7R-Related. Identifiers: MedGen C5676890, MONDO:0012163, OMIM 608971.

Allele frequency attached by ClinVar (database versions not stated): gnomAD exomes 0.00096 and 0.00029; ExAC 0.00127; gnomAD 0.00370 and 0.00398; TOPMed 0.00404; 1000 Genomes Project 0.00419; 1000 Genomes Project 30x 0.00453; ESP Exome Variant Server 0.00477.
gnomAD v4.1: 1,021 of 1,613,366 alleles (0.063%); highest among the groups gnomAD compares: African/African-American, 1.2%; 6 homozygotes.

Submissions (9):

ClinGen Severe Combined Immunodeficiency Variant Curation Expert Panel, ClinGen
Classification: Likely benign for Immunodeficiency 104. Last evaluated: 2023-11-14. Review status: reviewed by expert panel. Criteria: ClinGen SCID ACMG Specifications IL7R V1.0.0. Collection method: curation. Allele origin: germline.
Comment: The c.1231A>G (NM_002185.5) variant in IL7R is a missense variant predicted to cause substitution of Threonine by Alanine at amino acid 411 (p.Thr411Ala). The filtering allele frequency (the lower threshold of the 95% CI of 329/24950) of the c.1231A>G variant in IL7R is 0.01172 in exomes (4 homozygous reported) and 0.01126 in genomes (1 homozygous reported) for African/African American chromosomes by gnomAD v2.1.1. Both values are higher than the ClinGen SCID VCEP threshold (0.00126) for BS1 and therefore meet this criterion (BS1). Five (05) adult homozygous individuals with this variant are present in gnomAD v2.1.1 (African/African American)(BS2_Supporting). The variant has not been identified in the literature. In summary, this variant meets the criteria to be classified as Likely Benign for autosomal recessive SCID based on the ACMG/AMP criteria applied, as specified by the ClinGen SCID VCEP. Criteria applied: BS1 and BS2_Supporting. (VCEP specifications version 1).

CeGaT Center for Human Genetics Tuebingen
Classification: Likely benign. Last evaluated: 2026-06-01. Review status: criteria provided, single submitter. Criteria: CeGaT Center For Human Genetics Tuebingen Variant Classification Criteria Version 2. Collection method: clinical testing. Allele origin: germline. Affected: yes. Observed: 2 variant alleles. Not counted in ClinVar's aggregate classification.
Comment: IL7R: BP4, BS1

Women's Health and Genetics/Laboratory Corporation of America, LabCorp
Classification: Likely benign. Last evaluated: 2026-02-10. Review status: criteria provided, single submitter. Criteria: LabCorp Variant Classification Summary - May 2015. Collection method: clinical testing. Allele origin: germline. Not counted in ClinVar's aggregate classification.
Comment: Variant summary: IL7R c.1231A>G (p.Thr411Ala) results in a non-conservative amino acid change in the encoded protein sequence. Algorithms developed to predict the effect of missense changes on protein structure and function are either unavailable or do not agree on the potential impact of this missense change. The variant allele was found at a frequency of 0.00096 in 250800 control chromosomes, predominantly at a frequency of 0.013 within the African or African-American subpopulation in the gnomAD database, including 4 homozygotes. The observed variant frequency within African or African-American control individuals in the gnomAD database exceeds the estimated maximal expected allele frequency for disease-causing variants in IL7R. To our knowledge, no occurrence of c.1231A>G in individuals affected with IL7R-related conditions and no experimental evidence demonstrating its impact on protein function have been reported. ClinVar contains an entry for this variant (Variation ID: 134534). Based on the evidence outlined above, the variant was classified as likely benign.

Labcorp Genetics (formerly Invitae), Labcorp
Classification: Benign for Immunodeficiency 104. Last evaluated: 2026-01-28. Review status: criteria provided, single submitter. Criteria: Invitae Variant Classification Sherloc (09022015). Collection method: clinical testing. Allele origin: germline. Not counted in ClinVar's aggregate classification.

Fulgent Genetics
Classification: Likely benign for Immunodeficiency 104. Last evaluated: 2022-02-18. Review status: criteria provided, single submitter. Criteria: ACMG Guidelines, 2015. Collection method: clinical testing. Allele origin: unknown. Not counted in ClinVar's aggregate classification.

GeneDx
Classification: Likely benign. Last evaluated: 2017-03-03. Review status: criteria provided, single submitter. Criteria: GeneDx Variant Classification (06012015). Collection method: clinical testing. Allele origin: germline. Affected: yes. Not counted in ClinVar's aggregate classification.
Comment: This variant is considered likely benign or benign based on one or more of the following criteria: it is a conservative change, it occurs at a poorly conserved position in the protein, it is predicted to be benign by multiple in silico algorithms, and/or has population frequency not consistent with disease.

Breakthrough Genomics
Classification: Likely benign. Review status: criteria provided, single submitter. Criteria: ACMG Guidelines, 2015. Collection method: not provided. Allele origin: germline. Inheritance: Autosomal recessive inheritance. Affected: yes. Not counted in ClinVar's aggregate classification.

PreventionGenetics, part of Exact Sciences
Classification: Benign for IL7R-related condition. Last evaluated: 2019-11-25. Review status: no assertion criteria provided. Collection method: clinical testing. Allele origin: germline. Not counted in ClinVar's aggregate classification.
Comment: This variant is classified as benign based on ACMG/AMP sequence variant interpretation guidelines (Richards et al. 2015 PMID: 25741868, with internal and published modifications).

ITMI
No classification provided. Condition: AllHighlyPenetrant. Last evaluated: 2013-09-19. Review status: no classification provided. Collection method: reference population. Allele origin: germline. Not counted in ClinVar's aggregate classification.
Comment: Please see associated publication for description of ethnicities

Literature cited by the submitters: PubMed 24728327 (cited by ITMI).